The following is an entry in ClinVar:

ClinVar aggregate classification (germline): Likely benign (0 of 4 stars; one submission).

Conditions:
VPS13C-related disorder. Also called: VPS13C-related condition.

Allele frequency attached by ClinVar (database versions not stated): ExAC 0.00002; TOPMed 0.00002.
gnomAD v4.1: 20 of 1,614,110 alleles (0.0012%); highest among the groups gnomAD compares: Admixed American, 0.017%; no homozygotes.

Submission:

PreventionGenetics, part of Exact Sciences
Classification: Likely benign for VPS13C-related condition. Last evaluated: 2019-05-23. Review status: no assertion criteria provided. Collection method: clinical testing. Allele origin: germline.
Comment: This variant is classified as likely benign based on ACMG/AMP sequence variant interpretation guidelines (Richards et al. 2015 PMID: 25741868, with internal and published modifications).

NM_020821.3(VPS13C):c.1875G>C (p.Leu625=)

Gene: VPS13C (vacuolar protein sorting 13 homolog C; minus strand). Cytogenetic location: 15q22.2.
Variant type: single nucleotide variant.
Coding change: c.1875G>C on transcript NM_020821.3 (MANE Select); coding-DNA position 1875, G replaced by C.
Protein change: p.Leu625=; no amino-acid change (leucine 625 retained).
Molecular consequence: synonymous variant.
Genome position (GRCh38, 1-based): chr15:61,983,859, C>G on the plus strand (G>C on the coding strand, the complement: VPS13C is on the minus strand). VCF-style: chr15-61983859-C-G. GRCh37 (hg19) VCF-style: chr15-62276058-C-G.
Other names: c.1875G>C, p.Leu625= (NM_001018088.3); c.1746G>C, p.Leu582= (NM_017684.5, NM_018080.4).
Identifiers: ClinVar variation 3038453 (VCV003038453.2), dbSNP rs756433589, ClinGen allele CA7596906.